The following is an entry in ClinVar:

NM_014008.5(CCDC22):c.361+2T>C

Gene: CCDC22 (CCC complex scaffolding subunit CCDC22; plus strand). Cytogenetic location: Xp11.23.
Variant type: single nucleotide variant.
Coding change: c.361+2T>C on transcript NM_014008.5 (MANE Select); the canonical splice donor site of the intron after coding-DNA position 361, T replaced by C.
Molecular consequence: splice donor variant.
Genome position (GRCh38, 1-based): chrX:49,242,150, T>C. VCF-style: chrX-49242150-T-C. GRCh37 (hg19) VCF-style: chrX-49098616-T-C.
Identifiers: ClinVar variation 3731258 (VCV003731258.1).

ClinVar aggregate classification (germline): Uncertain significance (1 of 4 stars; one submission).

Submission:

GeneDx
Classification: Uncertain significance. Last evaluated: 2024-08-16. Review status: criteria provided, single submitter. Criteria: GeneDx Variant Classification Process June 2021. Collection method: clinical testing. Allele origin: germline. Affected: yes.
Comment: Not observed at significant frequency in large population cohorts (gnomAD); Canonical splice site variant in a gene for which loss-of-function is not an established mechanism of disease; Has not been previously published as pathogenic or benign to our knowledge